The following is an entry in ClinVar:

NM_000264.5(PTCH1):c.554C>A (p.Ala185Asp)

Gene: PTCH1 (patched 1; minus strand). Cytogenetic location: 9q22.32.
Variant type: single nucleotide variant.
Coding change: c.554C>A on transcript NM_000264.5 (MANE Select); coding-DNA position 554, C replaced by A.
Protein change: p.Ala185Asp; replaces alanine 185 with aspartic acid.
Molecular consequence: missense variant. On other transcripts: non-coding transcript variant (1).
Genome position (GRCh38, 1-based): chr9:95,485,715, G>T on the plus strand (C>A on the coding strand, the complement: PTCH1 is on the minus strand). VCF-style: chr9-95485715-G-T. GRCh37 (hg19) VCF-style: chr9-98247997-G-T.
Other names: c.356C>A, p.Ala119Asp (NM_001083602.3, NM_001354919.2); c.551C>A, p.Ala184Asp (NM_001083603.3); c.101C>A, p.Ala34Asp (NM_001083604.3, NM_001083605.3, NM_001083606.3 and 1 more transcripts); c.554C>A, p.Ala185Asp (NM_001354918.2); short protein forms A119D, A184D, A185D, A34D.
Identifiers: ClinVar variation 2575998 (VCV002575998.1), dbSNP rs1276503562, ClinGen allele CA374116681.
Genomic context (GRCh38, chr9:95,485,715, plus strand): 5'-TCATTAGTAGGTGGACGCGGCGGGCCTTACCTGTTGTACATGTATACATGGACACGGCTG[G>T]CCTGGAGTGCCGAGTCCAGGTGTTGTAGGAGCGCTTCTGTGGTCAGGACATTAGCACCTT-3'
Protein context (NP_000255.2, residues 175-195): LLQHLDSALQ[Ala185Asp]SRVHVYMYNR

ClinVar aggregate classification (germline): Likely pathogenic (1 of 4 stars; one submission).

Submission:

Institute for Clinical Genetics, University Hospital TU Dresden, University Hospital TU Dresden
Classification: Likely pathogenic. Last evaluated: 2021-06-08. Review status: criteria provided, single submitter. Criteria: ACMG Guidelines, 2015. Collection method: clinical testing. Allele origin: de novo.
Comment: PS2, PP3, PM2_SUP